The following is an entry in ClinVar:

ClinVar aggregate classification (germline): Uncertain significance (1 of 4 stars; one submission).

Conditions:
MHC class II deficiency. Also called: Bare lymphocyte syndrome 2; BLS, TYPE II. Identifiers: Orphanet 572, MedGen C5447452, MONDO:0008855.

Allele frequency attached by ClinVar (database versions not stated): gnomAD 0.00001; gnomAD exomes 0.00003.
gnomAD v4.1: 43 of 1,613,790 alleles (0.0027%); highest among the groups gnomAD compares: East Asian, 0.0045%; no homozygotes.

Submission:

Labcorp Genetics (formerly Invitae), Labcorp
Classification: Uncertain significance for MHC class II deficiency. Last evaluated: 2022-06-20. Review status: criteria provided, single submitter. Criteria: Invitae Variant Classification Sherloc (09022015). Collection method: clinical testing. Allele origin: germline.
Comment: This sequence change replaces arginine, which is basic and polar, with glutamine, which is neutral and polar, at codon 380 of the CIITA protein (p.Arg380Gln). This variant is present in population databases (rs371128355, gnomAD 0.01%). This variant has not been reported in the literature in individuals affected with CIITA-related conditions. Algorithms developed to predict the effect of missense changes on protein structure and function are either unavailable or do not agree on the potential impact of this missense change (SIFT: "Deleterious"; PolyPhen-2: "Possibly Damaging"; Align-GVGD: "Class C0"). In summary, the available evidence is currently insufficient to determine the role of this variant in disease. Therefore, it has been classified as a Variant of Uncertain Significance.

NM_000246.4(CIITA):c.1139G>A (p.Arg380Gln)

Gene: CIITA (class II major histocompatibility complex transactivator; plus strand). Cytogenetic location: 16p13.13.
Variant type: single nucleotide variant.
Coding change: c.1139G>A on transcript NM_000246.4 (MANE Select); coding-DNA position 1139, G replaced by A.
Protein change: p.Arg380Gln; replaces arginine 380 with glutamine.
Molecular consequence: missense variant. On other transcripts: intron variant (1).
Genome position (GRCh38, 1-based): chr16:10,906,631, G>A. VCF-style: chr16-10906631-G-A. GRCh37 (hg19) VCF-style: chr16-11000488-G-A.
Other names: c.1142G>A, p.Arg381Gln (NM_001286402.1, NM_001379332.1); c.995G>A, p.Arg332Gln (NM_001379330.1); c.992G>A, p.Arg331Gln (NM_001379331.1); c.1139G>A, p.Arg380Gln (NM_001379333.1); c.1070G>A, p.Arg357Gln (NM_001379334.1); c.859+1819G>A (NM_001286403.2); short protein forms R331Q, R332Q, R380Q, R357Q, R381Q.
Identifiers: ClinVar variation 2184173 (VCV002184173.1), dbSNP rs371128355, ClinGen allele CA7900062.
Genomic context (GRCh38, chr16:10,906,631, plus strand): 5'-TAGTGGAGGTGGATCTGGTGCAGGCCAGGCTGGAGAGGAGCAGCAGCAAGAGCCTGGAGC[G>A]GGAACTGGCCACCCCGGACTGGGCAGAACGGCAGCTGGCCCAAGGAGGCCTGGCTGAGGT-3'
Protein context (NP_000237.2, residues 370-390): LERSSSKSLE[Arg380Gln]ELATPDWAER